The following is an entry in ClinVar:

ClinVar aggregate classification (germline): Pathogenic. Review status: reviewed by expert panel (3 of 4 stars). 5 submissions from 5 submitters: Pathogenic (1). 4 of the submissions do not count toward it. Last evaluated 2016-10-18.

Conditions:
Hereditary cancer-predisposing syndrome. Also called: Tumor predisposition; Hereditary Cancer Syndrome; Neoplastic Syndromes, Hereditary; Hereditary neoplastic syndrome. Identifiers: Orphanet 140162, MedGen C0027672, MeSH D009386, MONDO:0015356.
Breast-ovarian cancer, familial, susceptibility to, 2 (BROVCA2). Also called: BRCA2 Hereditary Breast and Ovarian Cancer. Identifiers: Orphanet 145, MedGen C2675520, MONDO:0012933, OMIM 612555. Disease mechanism: loss of function.

Submissions (5):

Evidence-based Network for the Interpretation of Germline Mutant Alleles (ENIGMA)
Classification: Pathogenic for Breast-ovarian cancer, familial, susceptibility to, 2. Last evaluated: 2016-10-18. Review status: reviewed by expert panel. Criteria: ENIGMA BRCA1/2 Classification Criteria (2015). Collection method: curation. Allele origin: germline.
Comment: Variant allele predicted to encode a truncated non-functional protein.

CeGaT Center for Human Genetics Tuebingen
Classification: Pathogenic. Last evaluated: 2026-04-01. Review status: criteria provided, single submitter. Criteria: CeGaT Center For Human Genetics Tuebingen Variant Classification Criteria Version 2. Collection method: clinical testing. Allele origin: germline. Affected: yes. Observed: 1 variant allele. Not counted in ClinVar's aggregate classification.
Comment: BRCA2: PVS1, PM2

Ambry Genetics
Classification: Pathogenic for Hereditary cancer-predisposing syndrome. Last evaluated: 2025-11-06. Review status: criteria provided, single submitter. Criteria: Ambry Variant Classification Scheme 2023. Collection method: clinical testing. Allele origin: germline. Not counted in ClinVar's aggregate classification.
Comment: The c.7212delA pathogenic mutation, located in coding exon 13 of the BRCA2 gene, results from a deletion of one nucleotide at nucleotide position 7212, causing a translational frameshift with a predicted alternate stop codon (p.V2405Sfs*64). This variant is considered to be rare based on population cohorts in the Genome Aggregation Database (gnomAD). This alteration is expected to result in loss of function by premature protein truncation or nonsense-mediated mRNA decay. As such, this alteration is interpreted as a disease-causing mutation.

Quest Diagnostics Nichols Institute San Juan Capistrano
Classification: Pathogenic. Last evaluated: 2020-10-16. Review status: criteria provided, single submitter. Criteria: Quest Diagnostics criteria. Collection method: clinical testing. Allele origin: unknown. Not counted in ClinVar's aggregate classification.
Comment: This frameshift variant causes the premature termination of BRCA2 protein synthesis. This variant has not been reported in large, multi-ethnic general populations. To the best of our knowledge, the variant has not been reported in the published literature. Based on the available information, the variant is classified as pathogenic.

Consortium of Investigators of Modifiers of BRCA1/2 (CIMBA), c/o University of Cambridge
Classification: Pathogenic for Breast-ovarian cancer, familial, susceptibility to, 2. Last evaluated: 2015-10-02. Review status: criteria provided, single submitter. Criteria: CIMBA Mutation Classification guidelines May 2016. Collection method: clinical testing. Allele origin: germline. Not counted in ClinVar's aggregate classification.

NM_000059.4(BRCA2):c.7212del (p.Val2405fs)

Gene: BRCA2 (BRCA2 DNA repair associated; plus strand). Cytogenetic location: 13q13.1.
Variant type: Deletion.
Coding change: c.7212del on transcript NM_000059.4 (MANE Select); coding-DNA position 7212, one base deleted (A; older notation c.7212delA).
Protein change: p.Val2405fs; shifts the reading frame from valine 2405.
Molecular consequence: frameshift variant.
Genome position (GRCh38, 1-based): chr13:32,355,065, A deleted; the last of 3 consecutive A bases (chr13:32,355,063-32,355,065); deleting any one gives the same sequence. VCF-style (leftmost placement, unchanged base first): chr13-32355062-CA-C. GRCh37 (hg19) VCF-style: chr13-32929199-CA-C.
Other names: 7440delA; c.7212delA (NM_000059.3); short protein forms V2405fs.
Identifiers: ClinVar variation 266993 (VCV000266993.9), dbSNP rs80359642, ClinGen allele CA10589418.